The following is an entry in ClinVar:

ClinVar aggregate classification (germline): Uncertain significance. Review status: criteria provided, multiple submitters, no conflicts (2 of 4 stars). 2 submissions from 2 submitters: Uncertain significance (2). Last evaluated 2026-09-23.

Conditions:
ITPR3-related disorder. Also called: ITPR3-related condition.

Allele frequency attached by ClinVar (database versions not stated): gnomAD exomes below 0.00001.
gnomAD v4.1: 3 of 1,613,936 alleles (0.00019%); highest among the groups gnomAD compares: Non-Finnish European, 0.00025%; no homozygotes.

Submissions (2):

PreventionGenetics, part of Exact Sciences
Classification: Uncertain significance for ITPR3-related condition. Last evaluated: 2026-09-23. Review status: criteria provided, single submitter. Criteria: ACMG Guidelines, 2015. Collection method: clinical testing. Allele origin: germline.
Comment: The ITPR3 c.6068A>G variant is predicted to result in the amino acid substitution p.Gln2023Arg. To our knowledge, this variant has not been reported in the literature or in a large population database (gnomAD), indicating this variant is rare. At this time, the clinical significance of this variant is uncertain due to the absence of conclusive functional and genetic evidence.

Ambry Genetics
Classification: Uncertain significance. Last evaluated: 2023-03-13. Review status: criteria provided, single submitter. Criteria: Ambry Variant Classification Scheme 2023. Collection method: clinical testing. Allele origin: germline.

NM_002224.4(ITPR3):c.6068A>G (p.Gln2023Arg)

Gene: ITPR3 (inositol 1,4,5-trisphosphate receptor type 3; plus strand). Cytogenetic location: 6p21.31.
Variant type: single nucleotide variant.
Coding change: c.6068A>G on transcript NM_002224.4 (MANE Select); coding-DNA position 6068, A replaced by G.
Protein change: p.Gln2023Arg; replaces glutamine 2023 with arginine.
Molecular consequence: missense variant.
Genome position (GRCh38, 1-based): chr6:33,687,097, A>G. VCF-style: chr6-33687097-A-G. GRCh37 (hg19) VCF-style: chr6-33654874-A-G.
Other names: short protein forms Q2023R.
Identifiers: ClinVar variation 2495661 (VCV002495661.3), dbSNP rs921999752, ClinGen allele CA137156041.